The following is an entry in ClinVar:

ClinVar aggregate classification (germline): Likely pathogenic (1 of 4 stars; one submission).

Conditions:
Arrhythmogenic right ventricular dysplasia 9 (ARVD9). Also called: Arrhythmogenic Right Ventricular Dysplasia/Cardiomyopathy 9; ARRHYTHMOGENIC RIGHT VENTRICULAR DYSPLASIA, FAMILIAL, 9. Identifiers: MedGen C1836906, MONDO:0012180, OMIM 609040.

Submission:

Labcorp Genetics (formerly Invitae), Labcorp
Classification: Likely pathogenic for Arrhythmogenic right ventricular dysplasia 9. Last evaluated: 2022-10-09. Review status: criteria provided, single submitter. Criteria: Invitae Variant Classification Sherloc (09022015). Collection method: clinical testing. Allele origin: germline.
Comment: In summary, the currently available evidence indicates that the variant is pathogenic, but additional data are needed to prove that conclusively. Therefore, this variant has been classified as Likely Pathogenic. This variant has not been reported in the literature in individuals affected with PKP2-related conditions. This variant results in a copy number gain of the genomic region encompassing exon(s) 8-9 of the PKP2 gene. While the exact position of this variant cannot be determined from the data, sub-genic copy number gains are generally in tandem (PMID: 25640679). This variant is predicted to be out-of-frame, and may result in an absent or disrupted protein product. Loss-of-function variants in PKP2 are known to be pathogenic (PMID: 15489853, 23911551).

Literature cited by the submitters: PubMed 25640679; PubMed 15489853; PubMed 23911551.

NC_000012.11:g.(?_32975391)_(32977106_?)dup

Gene: PKP2 (plakophilin 2; minus strand). Cytogenetic location: 12p11.21.
Variant type: Duplication.
Identifiers: ClinVar variation 2425170 (VCV002425170.3).